The following is an entry in ClinVar:

NM_014363.6(SACS):c.2494T>C (p.Ser832Pro)

Gene: SACS (sacsin molecular chaperone; minus strand). Cytogenetic location: 13q12.12.
Variant type: single nucleotide variant.
Coding change: c.2494T>C on transcript NM_014363.6 (MANE Select); coding-DNA position 2494, T replaced by C.
Protein change: p.Ser832Pro; replaces serine 832 with proline.
Molecular consequence: missense variant.
Genome position (GRCh38, 1-based): chr13:23,341,382, A>G on the plus strand (T>C on the coding strand, the complement: SACS is on the minus strand). VCF-style: chr13-23341382-A-G. GRCh37 (hg19) VCF-style: chr13-23915521-A-G.
Other names: p.Ser832Pro; c.2053T>C, p.Ser685Pro (NM_001278055.2); short protein forms S685P, S832P.
Identifiers: ClinVar variation 697178 (VCV000697178.13), dbSNP rs549957998, ClinGen allele CA6911679.
Genomic context (GRCh38, chr13:23,341,382, plus strand): 5'-GGACAAACCCTCCAAGTTTTTGTACAATGTCTGCTAAAAATTCTGGAAGCTGTGCTTCAG[A>G]TTCATCGTCTAAAATGACTAACGATGGAATCCTGAGTCTAATGAGTTCCACACATGTCTG-3'
Protein context (NP_055178.3, residues 822-842): IPSLVILDDE[Ser832Pro]EAQLPEFLAD

ClinVar aggregate classification (germline): Likely benign. Review status: criteria provided, multiple submitters, no conflicts (2 of 4 stars). 3 submissions from 3 submitters: Likely benign (2). 1 of the submissions does not count toward it. Last evaluated 2026-01-24.

Conditions:
Spastic paraplegia. Identifiers: MedGen C0037772, HP:0001258.
Charlevoix-Saguenay spastic ataxia (SACS). Also called: SPASTIC ATAXIA 6, AUTOSOMAL RECESSIVE; AUTOSOMAL RECESSIVE SPASTIC ATAXIA OF CHARLEVOIX-SAGUENAY; Spastic ataxia of Charlevoix-Saguenay. Identifiers: Orphanet 98, MedGen C1849140, MONDO:0010041, OMIM 270550.

Allele frequency attached by ClinVar (database versions not stated): gnomAD exomes 0.00005 and 0.00024; gnomAD 0.00010 and 0.00011; TOPMed 0.00014; 1000 Genomes Project 30x 0.00016; 1000 Genomes Project 0.00020; ExAC 0.00026.
gnomAD v4.1: 90 of 1,609,666 alleles (0.0056%); highest among the groups gnomAD compares: East Asian, 0.19%; no homozygotes.

Submissions (3):

Labcorp Genetics (formerly Invitae), Labcorp
Classification: Likely benign for Spastic paraplegia. Last evaluated: 2026-01-24. Review status: criteria provided, single submitter. Criteria: Invitae Variant Classification Sherloc (09022015). Collection method: clinical testing. Allele origin: germline.

Mayo Clinic Laboratories, Mayo Clinic
Classification: Likely benign. Last evaluated: 2025-06-16. Review status: criteria provided, single submitter. Criteria: ACMG Guidelines, 2015. Collection method: clinical testing. Allele origin: germline. Observed: 2 variant alleles.
Comment: BS1, BP4

Natera, Inc.
Classification: Uncertain significance for Charlevoix-Saguenay type spastic ataxia. Last evaluated: 2020-01-17. Review status: no assertion criteria provided. Collection method: clinical testing. Allele origin: germline. Not counted in ClinVar's aggregate classification.